The following is an entry in ClinVar:

NM_001110556.2(FLNA):c.4737G>C (p.Leu1579=)

Gene: FLNA (filamin A; minus strand). Cytogenetic location: Xq28.
Variant type: single nucleotide variant.
Coding change: c.4737G>C on transcript NM_001110556.2 (MANE Select); coding-DNA position 4737, G replaced by C.
Protein change: p.Leu1579=; no amino-acid change (leucine 1579 retained).
Molecular consequence: synonymous variant.
Genome position (GRCh38, 1-based): chrX:154,358,217, C>G on the plus strand (G>C on the coding strand, the complement: FLNA is on the minus strand). VCF-style: chrX-154358217-C-G. GRCh37 (hg19) VCF-style: chrX-153586585-C-G.
Other names: c.4737G>C, p.Leu1579= (NM_001456.4).
Identifiers: ClinVar variation 196111 (VCV000196111.56), dbSNP rs201904661, ClinGen allele CA202143.
Genomic context (GRCh38, chrX:154,358,217, plus strand): 5'-GCCCAGGCCCCCCTGCCTCCCCTGCCTGTGCCCGGAGCTCACCGTGATCTGGACAGCCAG[C>G]AGGCCCTCCCCGGCGTCCTTTGCATCGATGGTGAACTCCACGGGCAGGCTGGCAGGCACG-3'
Protein context (NP_001104026.1, residues 1569-1589): TIDAKDAGEG[Leu1579=]LAVQITDPEG

ClinVar aggregate classification (germline): Benign/Likely benign. Review status: criteria provided, multiple submitters, no conflicts (2 of 4 stars). 10 submissions from 10 submitters: Benign (3); Likely benign (7). Last evaluated 2026-01-19.

Conditions:
Connective tissue disorder. Also called: Connective tissue disease. Identifiers: MedGen C0009782, MONDO:0003900.
Melnick-Needles syndrome (MNS). Also called: MELNICK-NEEDLES OSTEODYSPLASTY; OSTEODYSPLASTY OF MELNICK AND NEEDLES; Melnick-Needles Syndrome (FLNA-MNS). Identifiers: Orphanet 2484, MedGen C0025237, MONDO:0010650, OMIM 309350.
Heterotopia, periventricular, X-linked dominant (PVNH1). Also called: PERIVENTRICULAR NODULAR HETEROTOPIA 4; HETEROTOPIA, PERIVENTRICULAR, 1; X-linked periventricular heterotopia; PERIVENTRICULAR NODULAR HETEROTOPIA 1. Identifiers: Orphanet 2149, Orphanet 82004, MedGen C1848213, MONDO:0010233, OMIM 300049.
Frontometaphyseal dysplasia (FMD1). Identifiers: Orphanet 1826, MedGen C0265293, MONDO:0015942.
Oto-palato-digital syndrome, type II (OPD2). Also called: FACIOPALATOOSSEOUS SYNDROME; Otopalatodigital Syndrome, Type II; OPD II SYNDROME; Otopalatodigital Syndrome Type 2 (FLNA-OPD2). Identifiers: Orphanet 669, Orphanet 90652, MedGen C1844696, MONDO:0010571, OMIM 304120.
Familial thoracic aortic aneurysm and aortic dissection (TAAD). Also called: Thoracic aortic aneurysms and dissections. Identifiers: Orphanet 91387, MedGen C4707243, MONDO:0019625.

Allele frequency attached by ClinVar (database versions not stated): ExAC 0.00026; 1000 Genomes Project 0.00053; TOPMed 0.00061; 1000 Genomes Project 30x 0.00062; ESP Exome Variant Server 0.00069.
gnomAD v4.1: 190 of 1,209,563 alleles (0.016%); highest among the groups gnomAD compares: African/African-American, 0.25%; 1 homozygote.

Submissions (10):

Labcorp Genetics (formerly Invitae), Labcorp
Classification: Benign for Oto-palato-digital syndrome, type II; Heterotopia, periventricular, X-linked dominant; Frontometaphyseal dysplasia; Melnick-Needles syndrome. Last evaluated: 2026-01-19. Review status: criteria provided, single submitter. Criteria: Invitae Variant Classification Sherloc (09022015). Collection method: clinical testing. Allele origin: germline.

Women's Health and Genetics/Laboratory Corporation of America, LabCorp
Classification: Benign. Last evaluated: 2024-12-20. Review status: criteria provided, single submitter. Criteria: LabCorp Variant Classification Summary - May 2015. Collection method: clinical testing. Allele origin: germline.

CeGaT Center for Human Genetics Tuebingen
Classification: Likely benign. Last evaluated: 2024-12-01. Review status: criteria provided, single submitter. Criteria: CeGaT Center For Human Genetics Tuebingen Variant Classification Criteria Version 2. Collection method: clinical testing. Allele origin: germline. Affected: yes. Observed: 2 variant alleles.
Comment: FLNA: BP4, BP7, BS2

Blueprint Genetics
Classification: Likely benign. Last evaluated: 2024-03-20. Review status: criteria provided, single submitter. Criteria: ACMG Guidelines, 2015. Collection method: clinical testing. Allele origin: germline.

GeneDx
Classification: Likely benign. Last evaluated: 2021-01-18. Review status: criteria provided, single submitter. Criteria: GeneDx Variant Classification Process June 2021. Collection method: clinical testing. Allele origin: germline. Affected: yes.

ARUP Laboratories, Molecular Genetics and Genomics, ARUP Laboratories
Classification: Likely benign. Last evaluated: 2018-09-03. Review status: criteria provided, single submitter. Criteria: ARUP Molecular Germline Variant Investigation Process. Collection method: clinical testing. Allele origin: germline.

Center for Human Genetics, Inc
Classification: Likely benign for Connective tissue disorder. Last evaluated: 2018-06-01. Review status: criteria provided, single submitter. Criteria: ACMG Guidelines, 2015. Collection method: clinical testing. Allele origin: germline. Affected: yes.

Ambry Genetics
Classification: Likely benign for Familial thoracic aortic aneurysm and aortic dissection. Last evaluated: 2016-04-26. Review status: criteria provided, single submitter. Criteria: Ambry Variant Classification Scheme 2023. Collection method: clinical testing. Allele origin: germline.

Genetic Services Laboratory, University of Chicago
Classification: Likely benign. Last evaluated: 2015-09-23. Review status: criteria provided, single submitter. Criteria: ACMG Guidelines, 2015. Collection method: clinical testing. Allele origin: germline. Affected: no.

Eurofins Ntd Llc (ga)
Classification: Benign. Last evaluated: 2015-05-27. Review status: criteria provided, single submitter. Criteria: EGL Classification Definitions 2015. Collection method: clinical testing. Allele origin: germline. Observed: 2 variant alleles, 2 heterozygotes.